The following is an entry in ClinVar:

NM_000123.4(ERCC5):c.3239G>A (p.Gly1080Glu)

Genes: BIVM-ERCC5 (BIVM-ERCC5 readthrough; plus strand), ERCC5 (ERCC excision repair 5, endonuclease; plus strand). Cytogenetic location: 13q33.1.
Variant type: single nucleotide variant.
Coding change: c.3239G>A on transcript NM_000123.4 (MANE Select); coding-DNA position 3239, G replaced by A.
Protein change: p.Gly1080Glu; replaces glycine 1080 with glutamic acid.
Molecular consequence: missense variant.
Genome position (GRCh38, 1-based): chr13:102,875,581, G>A. VCF-style: chr13-102875581-G-A. GRCh37 (hg19) VCF-style: chr13-103527931-G-A.
Other names: c.4601G>A, p.Gly1534Glu (NM_001204425.2); short protein forms R1080Q, G1080E, G1534E.
Identifiers: ClinVar variation 134166 (VCV000134166.40), dbSNP rs4150388, ClinGen allele CA7041854.

ClinVar aggregate classification (germline): Benign/Likely benign. Review status: criteria provided, multiple submitters, no conflicts (2 of 4 stars). 9 submissions from 9 submitters: Benign (1); Likely benign (6). 2 of the submissions do not count toward it. Last evaluated 2024-11-04.

Conditions:
ERCC5-related disorder. Also called: ERCC5-related condition.
Xeroderma pigmentosum, group G (XPG). Also called: XERODERMA PIGMENTOSUM VII; XP, GROUP G; Xeroderma pigmentosum type 7; ERCC5-Related Xeroderma Pigmentosum. Identifiers: MedGen C0268141, MONDO:0010216, OMIM 278780.
Cerebrooculofacioskeletal syndrome 3 (COFS3). Identifiers: MedGen C1851443, MONDO:0014696, OMIM 616570.
Hereditary cancer-predisposing syndrome. Also called: Tumor predisposition; Hereditary neoplastic syndrome; Neoplastic Syndromes, Hereditary; Hereditary Cancer Syndrome. Identifiers: Orphanet 140162, MedGen C0027672, MeSH D009386, MONDO:0015356.

Allele frequency attached by ClinVar (database versions not stated): gnomAD exomes 0.00031 and 0.00070; ExAC 0.00078; ESP Exome Variant Server 0.00208; 1000 Genomes Project 30x 0.00219; 1000 Genomes Project 0.00220; gnomAD 0.00241 and 0.00250; TOPMed 0.00244.
gnomAD v4.1: 857 of 1,612,840 alleles (0.053%); highest among the groups gnomAD compares: African/African-American, 0.79%; 2 homozygotes.

Submissions (9):

Blueprint Genetics
Classification: Likely benign. Last evaluated: 2024-11-04. Review status: criteria provided, single submitter. Criteria: ACMG Guidelines, 2015. Collection method: clinical testing. Allele origin: germline.

CeGaT Center for Human Genetics Tuebingen
Classification: Likely benign. Last evaluated: 2023-06-01. Review status: criteria provided, single submitter. Criteria: CeGaT Center For Human Genetics Tuebingen Variant Classification Criteria Version 2. Collection method: clinical testing. Allele origin: germline. Affected: yes. Observed: 1 variant allele.
Comment: ERCC5: BP4

Fulgent Genetics
Classification: Likely benign for Xeroderma pigmentosum, group G; Cerebrooculofacioskeletal syndrome 3. Last evaluated: 2021-12-15. Review status: criteria provided, single submitter. Criteria: ACMG Guidelines, 2015. Collection method: clinical testing. Allele origin: unknown.

Sema4
Classification: Likely benign for Hereditary cancer-predisposing syndrome. Last evaluated: 2020-12-16. Review status: criteria provided, single submitter. Criteria: Sema4 Curation Guidelines. Collection method: curation. Allele origin: germline.

Labcorp Genetics (formerly Invitae), Labcorp
Classification: Likely benign. Last evaluated: 2019-12-19. Review status: criteria provided, single submitter. Criteria: Invitae Variant Classification Sherloc (09022015). Collection method: clinical testing. Allele origin: germline.

Illumina Laboratory Services, Illumina
Classification: Benign for Xeroderma pigmentosum, group G. Last evaluated: 2017-04-27. Review status: criteria provided, single submitter. Criteria: ICSL Variant Classification Criteria 13 December 2019. Collection method: clinical testing. Allele origin: germline.
Comment: This variant was observed as part of a predisposition screen in an ostensibly healthy population. A literature search was performed for the gene, cDNA change, and amino acid change (where applicable). Publications were found based on this search. The evidence from the literature, in combination with allele frequency data from public databases where available, was sufficient to rule this variant out of causing disease. Therefore, this variant is classified as benign.

Breakthrough Genomics
Classification: Likely benign. Review status: criteria provided, single submitter. Criteria: ACMG Guidelines, 2015. Collection method: not provided. Allele origin: germline. Inheritance: Autosomal recessive inheritance. Affected: yes.

PreventionGenetics, part of Exact Sciences
Classification: Likely benign for ERCC5-related condition. Last evaluated: 2019-08-13. Review status: no assertion criteria provided. Collection method: clinical testing. Allele origin: germline. Not counted in ClinVar's aggregate classification.
Comment: This variant is classified as likely benign based on ACMG/AMP sequence variant interpretation guidelines (Richards et al. 2015 PMID: 25741868, with internal and published modifications).

ITMI
No classification provided. Condition: AllHighlyPenetrant. Last evaluated: 2013-09-19. Review status: no classification provided. Collection method: reference population. Allele origin: germline. Not counted in ClinVar's aggregate classification.
Comment: Please see associated publication for description of ethnicities

Literature cited by the submitters: PubMed 22821389 (cited by Illumina Laboratory Services, Illumina); PubMed 27104957 (cited by Illumina Laboratory Services, Illumina); PubMed 24728327 (cited by ITMI).